The following is an entry in ClinVar:

NM_002317.7(LOX):c.749A>G (p.Tyr250Cys)

Genes: LOX (lysyl oxidase; minus strand), SRFBP1 (serum response factor binding protein 1; plus strand). Cytogenetic location: 5q23.1.
Variant type: single nucleotide variant.
Coding change: c.749A>G on transcript NM_002317.7 (MANE Select); coding-DNA position 749, A replaced by G.
Protein change: p.Tyr250Cys; replaces tyrosine 250 with cysteine.
Molecular consequence: missense variant. On other transcripts: 5 prime UTR variant (1).
Genome position (GRCh38, 1-based): chr5:122,075,533, T>C on the plus strand (A>G on the coding strand, the complement: LOX is on the minus strand). VCF-style: chr5-122075533-T-C. GRCh37 (hg19) VCF-style: chr5-121411228-T-C.
Other names: c.59A>G, p.Tyr20Cys (NM_001178102.2); c.-143A>G (NM_001317073.1); short protein forms Y20C, Y250C.
Identifiers: ClinVar variation 996536 (VCV000996536.6), dbSNP rs2152590304, ClinGen allele CA360882292.

ClinVar aggregate classification (germline): Uncertain significance. Review status: criteria provided, single submitter (1 of 4 stars). 2 submissions from 2 submitters: Uncertain significance (1). 1 of the submissions does not count toward it. Last evaluated 2021-10-01.

Conditions:
Aortic aneurysm, familial thoracic 10 (AAT10). Identifiers: MedGen C4284414, MONDO:0014950, OMIM 617168.

Submissions (2):

GeneDx
Classification: Uncertain significance. Last evaluated: 2021-10-01. Review status: criteria provided, single submitter. Criteria: GeneDx Variant Classification Process June 2021. Collection method: clinical testing. Allele origin: germline. Affected: yes.
Comment: Has not been previously published as pathogenic or benign to our knowledge; Not observed at significant frequency in large population cohorts (Lek et al., 2016); In silico analysis supports that this missense variant has a deleterious effect on protein structure/function

Department of Clinical Genetics, Copenhagen University Hospital, Rigshospitalet
Classification: Likely pathogenic for Aortic aneurysm, familial thoracic 10. Review status: no assertion criteria provided. Collection method: clinical testing. Allele origin: germline. Inheritance: Autosomal recessive inheritance. Affected: yes. Observed: 1 variant allele, 1 homozygote. Not counted in ClinVar's aggregate classification.

Literature cited by the submitters: PubMed 26838787 (cited by Department of Clinical Genetics, Copenhagen University Hospital, Rigshospitalet).